The following is an entry in ClinVar:

ClinVar aggregate classification (germline): Uncertain significance (1 of 4 stars; one submission).

Conditions:
Inborn genetic diseases. Identifiers: MedGen C0950123, MeSH D030342.

Submission:

Ambry Genetics
Classification: Uncertain significance for Inborn genetic diseases. Last evaluated: 2022-06-11. Review status: criteria provided, single submitter. Criteria: Ambry Variant Classification Scheme 2023. Collection method: clinical testing. Allele origin: germline.
Comment: The p.A72V variant (also known as c.215C>T), located in coding exon 1 of the ACD gene, results from a C to T substitution at nucleotide position 215. The alanine at codon 72 is replaced by valine, an amino acid with similar properties. This amino acid position is conserved. In addition, this alteration is predicted to be tolerated by in silico analysis. Since supporting evidence is limited at this time, the clinical significance of this alteration remains unclear.

NM_001082486.1(ACD):c.215C>T (p.Ala72Val)

Gene: ACD (ACD shelterin complex subunit and telomerase recruitment factor; minus strand). Cytogenetic location: 16q22.1.
Variant type: single nucleotide variant.
Coding change: c.215C>T on transcript NM_001082486.1; coding-DNA position 215, C replaced by T.
Protein change: p.Ala72Val; replaces alanine 72 with valine.
Genome position (GRCh38, 1-based): chr16:67,660,264, G>A on the plus strand (C>T on the coding strand, the complement: ACD is on the minus strand). VCF-style: chr16-67660264-G-A. GRCh37 (hg19) VCF-style: chr16-67694167-G-A.
Other names: short protein forms A72V.
Identifiers: ClinVar variation 1786870 (VCV001786870.2), dbSNP rs765105630, ClinGen allele CA396359382.